The following is an entry in ClinVar:

ClinVar aggregate classification (germline): Uncertain significance (1 of 4 stars; one submission).

Conditions:
Cardiovascular phenotype. Identifiers: MedGen CN230736.

Submission:

Ambry Genetics
Classification: Uncertain significance for Cardiovascular phenotype. Last evaluated: 2025-11-12. Review status: criteria provided, single submitter. Criteria: Ambry Variant Classification Scheme 2023. Collection method: clinical testing. Allele origin: germline.
Comment: The p.R152L variant (also known as c.455G>T), located in coding exon 4 of the PTPN11 gene, results from a G to T substitution at nucleotide position 455. The arginine at codon 152 is replaced by leucine, an amino acid with dissimilar properties. This amino acid position is conserved. In addition, the in silico prediction for this alteration is inconclusive. Based on the available evidence, the clinical significance of this variant remains unclear.

NM_002834.5(PTPN11):c.455G>T (p.Arg152Leu)

Gene: PTPN11 (protein tyrosine phosphatase non-receptor type 11; plus strand). Cytogenetic location: 12q24.13.
Variant type: single nucleotide variant.
Coding change: c.455G>T on transcript NM_002834.5 (MANE Select); coding-DNA position 455, G replaced by T.
Protein change: p.Arg152Leu; replaces arginine 152 with leucine.
Molecular consequence: missense variant.
Genome position (GRCh38, 1-based): chr12:112,453,317, G>T. VCF-style: chr12-112453317-G-T. GRCh37 (hg19) VCF-style: chr12-112891121-G-T.
Other names: c.455G>T, p.Arg152Leu (NM_001330437.2, NM_080601.3); c.452G>T, p.Arg151Leu (NM_001374625.1); short protein forms R152L, R151L.
Identifiers: ClinVar variation 4614778 (VCV004614778.1).